The following is an entry in ClinVar:

NM_000127.3(EXT1):c.1850C>A (p.Ser617Tyr)

Gene: EXT1 (exostosin glycosyltransferase 1; minus strand). Cytogenetic location: 8q24.11.
Variant type: single nucleotide variant.
Coding change: c.1850C>A on transcript NM_000127.3 (MANE Select); coding-DNA position 1850, C replaced by A.
Protein change: p.Ser617Tyr; replaces serine 617 with tyrosine.
Molecular consequence: missense variant.
Genome position (GRCh38, 1-based): chr8:117,807,250, G>T on the plus strand (C>A on the coding strand, the complement: EXT1 is on the minus strand). VCF-style: chr8-117807250-G-T. GRCh37 (hg19) VCF-style: chr8-118819489-G-T.
Other names: short protein forms S617Y.
Identifiers: ClinVar variation 4770054 (VCV004770054.1).

ClinVar aggregate classification (germline): Uncertain significance (1 of 4 stars; one submission).

Conditions:
Multiple congenital exostosis (EXT). Also called: Hereditary multiple osteochondromas; Hereditary multiple exostoses; Hereditary multiple exostosis; Multiple osteochondromas; MULTIPLE CARTILAGINOUS EXOSTOSES; Multiple exostoses. Identifiers: Orphanet 321, MedGen C0015306, MONDO:0005508, HP:0002762.

Submission:

Labcorp Genetics (formerly Invitae), Labcorp
Classification: Uncertain significance for Multiple congenital exostosis. Last evaluated: 2025-12-29. Review status: criteria provided, single submitter. Criteria: Invitae Variant Classification Sherloc (09022015). Collection method: clinical testing. Allele origin: germline.
Comment: This sequence change replaces serine, which is neutral and polar, with tyrosine, which is neutral and polar, at codon 617 of the EXT1 protein (p.Ser617Tyr). This variant is not present in population databases (gnomAD no frequency). This variant has not been reported in the literature in individuals affected with EXT1-related conditions. Invitae Evidence Modeling of protein sequence and biophysical properties (such as structural, functional, and spatial information, amino acid conservation, physicochemical variation, residue mobility, and thermodynamic stability) indicates that this missense variant is expected to disrupt EXT1 protein function with a positive predictive value of 80%. In summary, the available evidence is currently insufficient to determine the role of this variant in disease. Therefore, it has been classified as a Variant of Uncertain Significance.